The following is an entry in ClinVar:

ClinVar aggregate classification (germline): Uncertain significance. Review status: criteria provided, multiple submitters, no conflicts (2 of 4 stars). 2 submissions from 2 submitters: Uncertain significance (2). Last evaluated 2025-12-21.

Conditions:
Primary dilated cardiomyopathy (DCM). Also called: Dilated Cardiomyopathy. Identifiers: Orphanet 217604, MedGen C0007193, MeSH D002311, MONDO:0005021, HP:0001644. Inheritance: Various modes of inheritance.
Hypertrophic cardiomyopathy. Also called: HYPERTROPHIC MYOCARDIOPATHY. Identifiers: Orphanet 217569, MedGen C0007194, MeSH D002312, MONDO:0005045, HP:0001639.

Allele frequency attached by ClinVar (database versions not stated): gnomAD 0.00001 and 0.00002; TOPMed 0.00001; gnomAD exomes 0.00003; ExAC 0.00005.
gnomAD v4.1: 34 of 1,613,966 alleles (0.0021%); highest among the groups gnomAD compares: South Asian, 0.036%; no homozygotes.

Submissions (2):

Ambry Genetics
Classification: Uncertain significance. Last evaluated: 2025-12-21. Review status: criteria provided, single submitter. Criteria: Ambry Variant Classification Scheme 2023. Collection method: clinical testing. Allele origin: germline.
Comment: The p.A51V variant (also known as c.152C>T), located in coding exon 2 of the PDLIM3 gene, results from a C to T substitution at nucleotide position 152. The alanine at codon 51 is replaced by valine, an amino acid with similar properties. This amino acid position is conserved. In addition, the in silico prediction for this alteration is inconclusive. Based on the available evidence, the clinical significance of this variant remains unclear.

Labcorp Genetics (formerly Invitae), Labcorp
Classification: Uncertain significance for Hypertrophic cardiomyopathy; Primary dilated cardiomyopathy. Last evaluated: 2021-06-15. Review status: criteria provided, single submitter. Criteria: Invitae Variant Classification Sherloc (09022015). Collection method: clinical testing. Allele origin: germline.
Comment: In summary, the available evidence is currently insufficient to determine the role of this variant in disease. Therefore, it has been classified as a Variant of Uncertain Significance. Algorithms developed to predict the effect of missense changes on protein structure and function (SIFT, PolyPhen-2, Align-GVGD) all suggest that this variant is likely to be disruptive, but these predictions have not been confirmed by published functional studies and their clinical significance is uncertain. This variant has not been reported in the literature in individuals with PDLIM3-related conditions. This variant is present in population databases (rs755994888, ExAC 0.04%). This sequence change replaces alanine with valine at codon 51 of the PDLIM3 protein (p.Ala51Val). The alanine residue is highly conserved and there is a small physicochemical difference between alanine and valine.

NM_014476.6(PDLIM3):c.152C>T (p.Ala51Val)

Gene: PDLIM3 (PDZ and LIM domain 3; minus strand). Cytogenetic location: 4q35.1.
Variant type: single nucleotide variant.
Coding change: c.152C>T on transcript NM_014476.6 (MANE Select); coding-DNA position 152, C replaced by T.
Protein change: p.Ala51Val; replaces alanine 51 with valine.
Molecular consequence: missense variant. On other transcripts: non-coding transcript variant (1), intron variant (1).
Genome position (GRCh38, 1-based): chr4:185,525,113, G>A on the plus strand (C>T on the coding strand, the complement: PDLIM3 is on the minus strand). VCF-style: chr4-185525113-G-A. GRCh37 (hg19) VCF-style: chr4-186446267-G-A.
Other names: c.152C>T, p.Ala51Val (NM_001114107.5, NM_001257962.2); c.93+10229C>T (NM_001257963.2); c.152C>T (NM_014476.4); short protein forms A51V.
Identifiers: ClinVar variation 1394896 (VCV001394896.10), dbSNP rs755994888, ClinGen allele CA3159896.